The following is an entry in ClinVar:

ClinVar aggregate classification (germline): Uncertain significance (1 of 4 stars; one submission).

Conditions:
Inborn genetic diseases. Identifiers: MedGen C0950123, MeSH D030342.

gnomAD v4.1: 6 of 1,613,752 alleles (0.00037%); highest among the groups gnomAD compares: Admixed American, 0.0067%; no homozygotes.

Submission:

Ambry Genetics
Classification: Uncertain significance for Inborn genetic diseases. Last evaluated: 2025-10-21. Review status: criteria provided, single submitter. Criteria: Ambry Variant Classification Scheme 2023. Collection method: clinical testing. Allele origin: germline.
Comment: The c.1414C>T (p.L472F) alteration is located in exon 11 (coding exon 11) of the KDM5B gene. This alteration results from a C to T substitution at nucleotide position 1414, causing the leucine (L) at amino acid position 472 to be replaced by a phenylalanine (F). Based on data from gnomAD, the T allele has an overall frequency of <0.001% (1/251242) total alleles studied. The highest observed frequency was 0.003% (1/34568) of Latino alleles. Based on insufficient or conflicting evidence, the clinical significance of this alteration remains unclear.

NM_006618.5(KDM5B):c.1414C>T (p.Leu472Phe)

Gene: KDM5B (lysine demethylase 5B; minus strand). Cytogenetic location: 1q32.1.
Variant type: single nucleotide variant.
Coding change: c.1414C>T on transcript NM_006618.5 (MANE Select); coding-DNA position 1414, C replaced by T.
Protein change: p.Leu472Phe; replaces leucine 472 with phenylalanine.
Molecular consequence: missense variant.
Genome position (GRCh38, 1-based): chr1:202,755,395, G>A on the plus strand (C>T on the coding strand, the complement: KDM5B is on the minus strand). VCF-style: chr1-202755395-G-A. GRCh37 (hg19) VCF-style: chr1-202724523-G-A.
Other names: c.1522C>T, p.Leu508Phe (NM_001314042.2); c.1279C>T, p.Leu427Phe (NM_001347591.2); c.1399C>T, p.Leu467Phe (NM_001399817.1); short protein forms L467F, L508F, L472F, L427F.
Identifiers: ClinVar variation 4622800 (VCV004622800.1).
Genomic context (GRCh38, chr1:202,755,395, plus strand): 5'-ACATTCCCACATACAACCAAGGAAGTTTCATGCCACATATATCAGCAGTAATATGTGCAA[G>A]GACAGACTGCTCCATCACTGGCATGTTGTTCAAATTCCAGCCACTATCAAGATACTCCTA-3'
Protein context (NP_006609.3, residues 462-482): NNMPVMEQSV[Leu472Phe]AHITADICGM